The following is an entry in ClinVar:

ClinVar aggregate classification (germline): Uncertain significance (1 of 4 stars; one submission).

Conditions:
Oto-palato-digital syndrome, type II (OPD2). Also called: Otopalatodigital Syndrome Type 2 (FLNA-OPD2); FACIOPALATOOSSEOUS SYNDROME; OPD II SYNDROME; Otopalatodigital Syndrome, Type II. Identifiers: Orphanet 669, Orphanet 90652, MedGen C1844696, MONDO:0010571, OMIM 304120.
Heterotopia, periventricular, X-linked dominant (PVNH1). Also called: PERIVENTRICULAR NODULAR HETEROTOPIA 1; X-linked periventricular heterotopia; PERIVENTRICULAR NODULAR HETEROTOPIA 4; HETEROTOPIA, PERIVENTRICULAR, 1. Identifiers: Orphanet 2149, Orphanet 82004, MedGen C1848213, MONDO:0010233, OMIM 300049.
Frontometaphyseal dysplasia (FMD1). Identifiers: Orphanet 1826, MedGen C0265293, MONDO:0015942.
Melnick-Needles syndrome (MNS). Also called: Melnick-Needles Syndrome (FLNA-MNS); MELNICK-NEEDLES OSTEODYSPLASTY; OSTEODYSPLASTY OF MELNICK AND NEEDLES. Identifiers: Orphanet 2484, MedGen C0025237, MONDO:0010650, OMIM 309350.

Submission:

Labcorp Genetics (formerly Invitae), Labcorp
Classification: Uncertain significance for Oto-palato-digital syndrome, type II; Heterotopia, periventricular, X-linked dominant; Frontometaphyseal dysplasia; Melnick-Needles syndrome. Last evaluated: 2024-02-23. Review status: criteria provided, single submitter. Criteria: Invitae Variant Classification Sherloc (09022015). Collection method: clinical testing. Allele origin: germline.
Comment: This sequence change falls in intron 3 of the FLNA gene. It does not directly change the encoded amino acid sequence of the FLNA protein. It affects a nucleotide within the consensus splice site. This variant is not present in population databases (gnomAD no frequency). This variant has been observed in individual(s) with FLNA-related conditions (Invitae). Variants that disrupt the consensus splice site are a relatively common cause of aberrant splicing (PMID: 17576681, 9536098). Algorithms developed to predict the effect of sequence changes on RNA splicing suggest that this variant may disrupt the consensus splice site. In summary, the available evidence is currently insufficient to determine the role of this variant in disease. Therefore, it has been classified as a Variant of Uncertain Significance.

Literature cited by the submitters: PubMed 17576681; PubMed 9536098.

NM_001110556.2(FLNA):c.622+5G>A

Gene: FLNA (filamin A; minus strand). Cytogenetic location: Xq28.
Variant type: single nucleotide variant.
Coding change: c.622+5G>A on transcript NM_001110556.2 (MANE Select); 5 bases into the intron after coding-DNA position 622, G replaced by A.
Molecular consequence: intron variant.
Genome position (GRCh38, 1-based): chrX:154,367,837, C>T on the plus strand (G>A on the coding strand, the complement: FLNA is on the minus strand). VCF-style: chrX-154367837-C-T. GRCh37 (hg19) VCF-style: chrX-153596205-C-T.
Other names: c.622+5G>A (NM_001456.4).
Identifiers: ClinVar variation 3763333 (VCV003763333.2).